The following is an entry in ClinVar:

ClinVar aggregate classification (germline): Uncertain significance (1 of 4 stars; one submission).

Conditions:
Hereditary breast ovarian cancer syndrome. Also called: BRCA1- and BRCA2-Associated Hereditary Breast and Ovarian Cancer; Hereditary breast and ovarian cancer; Hereditary breast and ovarian cancer syndrome (HBOC); Hereditary breast and ovarian cancer syndrome; Hereditary breast and/or ovarian cancer syndrome; Breast and ovarian cancer. Identifiers: Orphanet 145, MedGen C0677776, MeSH D061325, MONDO:0003582. Disease mechanism: loss of function.

Submission:

Labcorp Genetics (formerly Invitae), Labcorp
Classification: Uncertain significance for Hereditary breast ovarian cancer syndrome. Last evaluated: 2023-11-17. Review status: criteria provided, single submitter. Criteria: Invitae Variant Classification Sherloc (09022015). Collection method: clinical testing. Allele origin: germline.
Comment: This sequence change replaces glutamic acid, which is acidic and polar, with lysine, which is basic and polar, at codon 585 of the BRCA1 protein (p.Glu585Lys). This variant is not present in population databases (gnomAD no frequency). This variant has not been reported in the literature in individuals affected with BRCA1-related conditions. Advanced modeling of protein sequence and biophysical properties (such as structural, functional, and spatial information, amino acid conservation, physicochemical variation, residue mobility, and thermodynamic stability) performed at Invitae indicates that this missense variant is not expected to disrupt BRCA1 protein function with a negative predictive value of 95%. In summary, the available evidence is currently insufficient to determine the role of this variant in disease. Therefore, it has been classified as a Variant of Uncertain Significance.

NM_007294.4(BRCA1):c.1753G>A (p.Glu585Lys)

Gene: BRCA1 (BRCA1 DNA repair associated; minus strand). Cytogenetic location: 17q21.31.
Variant type: single nucleotide variant.
Coding change: c.1753G>A on transcript NM_007294.4 (MANE Select); coding-DNA position 1753, G replaced by A.
Protein change: p.Glu585Lys; replaces glutamic acid 585 with lysine.
Molecular consequence: missense variant. On other transcripts: intron variant (137).
Genome position (GRCh38, 1-based): chr17:43,093,778, C>T on the plus strand (G>A on the coding strand, the complement: BRCA1 is on the minus strand). VCF-style: chr17-43093778-C-T. GRCh37 (hg19) VCF-style: chr17-41245795-C-T.
Other names: c.1753G>A, p.Glu585Lys (NM_001407603.1, NM_001407605.1, NM_001407581.1 and 30 more transcripts); c.664+966G>A (NM_001408442.1, NM_001408426.1, NM_001408436.1 and 12 more transcripts); c.787+966G>A (NM_001407982.1, NM_001407970.1, NM_001407980.1 and 19 more transcripts); c.1750G>A, p.Glu584Lys (NM_001407615.1, NM_001407611.1, NM_001407613.1 and 22 more transcripts); c.1540G>A, p.Glu514Lys (NM_001407571.1, NM_001407853.1, NM_001407894.1 and 9 more transcripts); c.1744G>A, p.Glu582Lys (NM_001407646.1, NM_001407647.1); c.1630G>A, p.Glu544Lys (NM_001407648.1, NM_001407664.1, NM_001407665.1 and 19 more transcripts); c.1627G>A, p.Glu543Lys (NM_001407649.1, NM_001407670.1, NM_001407671.1 and 11 more transcripts); and 40 more; short protein forms E417K, E515K, E537K, E543K, E559K, E582K, E473K, E496K.
Identifiers: ClinVar variation 2696485 (VCV002696485.3), dbSNP rs2154426325, ClinGen allele CA10598525.